The following is an entry in ClinVar:

NM_152564.5(VPS13B):c.11445_11448dup (p.Asp3817delinsLysTer)

Gene: VPS13B (vacuolar protein sorting 13 homolog B; plus strand). Cytogenetic location: 8q22.2.
Variant type: Duplication.
Coding change: c.11445_11448dup on transcript NM_152564.5 (MANE Select); coding-DNA positions 11445 to 11448, 4 bases duplicated (AAGT; older notation c.11445_11448dupAAGT).
Protein change: p.Asp3817delinsLysTer.
Molecular consequence: nonsense. On other transcripts: frameshift variant (1).
Genome position (GRCh38, 1-based): chr8:99,870,837-99,870,840, AAGT duplicated. VCF-style (leftmost placement, unchanged base first): chr8-99870836-C-CAAGT. GRCh37 (hg19) VCF-style: chr8-100883064-C-CAAGT.
Other names: c.11520_11523dupAAGT (NM_017890.4); c.11520_11523dup, p.Asp3842delinsLysTer (NM_017890.5).
Identifiers: ClinVar variation 4815930 (VCV004815930.1).

ClinVar aggregate classification (germline): Likely pathogenic (1 of 4 stars; one submission).

Conditions:
Cohen syndrome (COH1). Also called: PEPPER SYNDROME; Cutis verticis gyrata, retinitis pigmentosa, and sensorineural deafness. Identifiers: Orphanet 193, MedGen C0265223, MONDO:0008999, OMIM 216550.

Submission:

Natera, Inc.
Classification: Likely pathogenic for Cohen syndrome. Last evaluated: 2024-04-22. Review status: criteria provided, single submitter. Criteria: Natera Variant Classification Schema (03/2026). Collection method: clinical testing. Allele origin: germline.
Comment: The c.11520_11523dupAAGT variant in VPS13B is a frameshift variant predicted to shift the reading frame beginning at codon 3842 and leads to a stop codon 2 codons downstream. This variant is expected to result in nonsense mediated decay, truncation, or a dysfunctional protein product. This variant is rare in the general population with a frequency below the threshold expected for the associated phenotype(s). Given the available evidence, this variant is classified as Likely Pathogenic.